The following is an entry in ClinVar:

NM_001165963.4(SCN1A):c.4894C>T (p.Pro1632Ser)

Genes: SCN1A (sodium voltage-gated channel alpha subunit 1; minus strand), LOC102724058 (uncharacterized LOC102724058; plus strand). Cytogenetic location: 2q24.3.
Variant type: single nucleotide variant.
Coding change: c.4894C>T on transcript NM_001165963.4 (MANE Select); coding-DNA position 4894, C replaced by T.
Protein change: p.Pro1632Ser; replaces proline 1632 with serine.
Molecular consequence: missense variant. On other transcripts: non-coding transcript variant (1).
Genome position (GRCh38, 1-based): chr2:165,992,381, G>A on the plus strand (C>T on the coding strand, the complement: SCN1A is on the minus strand). VCF-style: chr2-165992381-G-A. GRCh37 (hg19) VCF-style: chr2-166848891-G-A.
Other names: c.4810C>T, p.Pro1604Ser (NM_001165964.3, NM_001353957.2, NM_001353958.2); c.4894C>T, p.Pro1632Ser (NM_001202435.3, NM_001353948.2); c.4861C>T, p.Pro1621Ser (NM_001353949.2, NM_001353950.2, NM_001353951.2 and 2 more transcripts); c.4858C>T, p.Pro1620Ser (NM_001353954.2, NM_001353955.2); c.4807C>T, p.Pro1603Ser (NM_001353960.2); c.2452C>T, p.Pro818Ser (NM_001353961.2); short protein forms P1621S, P1632S, P1604S, P818S, P1603S, P1620S.
Identifiers: ClinVar variation 68639 (VCV000068639.3), dbSNP rs121918755, ClinGen allele CA285186.

ClinVar aggregate classification (germline): not provided (0 of 4 stars; one submission).

Conditions:
Severe myoclonic epilepsy in infancy (DRVT). Also called: SEVERE MYOCLONIC EPILEPSY OF INFANCY; DEVELOPMENTAL AND EPILEPTIC ENCEPHALOPATHY 6A; Severe Myoclonic Epilepsy in Infancy (SMEI); Dravet syndrome; Epileptic encephalopathy, early infantile, 6 (Dravet syndrome). Identifiers: Orphanet 33069, MedGen C0751122, MONDO:0100135, OMIM 607208.

Submissions (2):

Channelopathy-Associated Epilepsy Research Center
No classification provided (evidence only). Condition: Severe myoclonic epilepsy in infancy. Review status: no classification provided. Collection method: literature only. Allele origin: not applicable. Functional consequence: Normal peak current, Moderate hyperpolarizing shift of voltage dependence of activation, Increase in slope of activation, Moderate hyperpolarizing shift of voltage dependence of fast inactivation, Normal slope of fast inactivation, Normal rate of recovery from fast inactivation, Acceleration of fast inactivation, Moderate increase in persistent current, Slowing of entry into slow inactivation, Normal voltage dependence of slow inactivation, Increase in slope of slow inactivation, Slowing of recovery from slow inactivation, Decrease of decay in current amplitude in use dependence, Overall mixed or unclear functional effect with respect to biophysical channel activity. Not counted in ClinVar's aggregate classification.
ClinVar note: "not provided" was previously submitted as the classification for the variant. However, the classification appeared to be based only on an observation of functional data so it was converted to no classification on 2025-07-30.

UniProtKB/Swiss-Prot
No classification provided. Condition: Severe myoclonic epilepsy in infancy. Review status: no classification provided. Collection method: not provided. Allele origin: germline.
Comment: Intractable childhood epilepsy with generalized tonic-clonic seizures

Literature cited by the submitters: PubMed 16210358 (cited by Channelopathy-Associated Epilepsy Research Center).